The following is an entry in ClinVar:

ClinVar aggregate classification (germline): Uncertain significance (1 of 4 stars; one submission).

Conditions:
ROBO1-related disorder. Also called: ROBO1-related condition.

Submission:

PreventionGenetics, part of Exact Sciences
Classification: Uncertain significance for ROBO1-related condition. Last evaluated: 2023-02-07. Review status: criteria provided, single submitter. Criteria: ACMG Guidelines, 2015. Collection method: clinical testing. Allele origin: germline.
Comment: The ROBO1 c.4145_4147delACA variant is predicted to result in an in-frame deletion (p.Asn1382del). To our knowledge, this variant has not been reported in the literature. This variant is reported in 0.013% of alleles in individuals of South Asian descent in gnomAD. At this time, the clinical significance of this variant is uncertain due to the absence of conclusive functional and genetic evidence.

NM_002941.4(ROBO1):c.4142ACA[1] (p.Asn1382del)

Gene: ROBO1 (roundabout guidance receptor 1; minus strand). Cytogenetic location: 3p12.3.
Variant type: Microsatellite.
Coding change: c.4142ACA[1] on transcript NM_002941.4 (MANE Select); one copy of the 3-base unit ACA starting at c.4142; the reference has two copies in a row; one copy, 3 bases deleted.
Protein change: p.Asn1382del; deletes asparagine 1382.
Molecular consequence: inframe deletion. On other transcripts: inframe indel (1).
Genome position (GRCh38, 1-based): chr3:78,617,770-78,617,772, TGT deleted on the plus strand (ACA on the coding strand, the reverse complement: ROBO1 is on the minus strand); deleting any 3 consecutive bases within chr3:78,617,770-78,617,775 gives the same sequence; the position shown is the placement nearest the transcript's 3' end. VCF-style (leftmost placement, unchanged base first): chr3-78617769-ATGT-A. GRCh37 (hg19) VCF-style: chr3-78666919-ATGT-A.
Other names: c.4007_4009ACA[1], p.Asn1337del (NM_001145844.1); c.3842ACA[1], p.Asn1282del (NM_001145845.2); c.4007ACA[1], p.Asn1337del (NM_133631.4); short protein forms N1282del, N1337del, N1382del.
Identifiers: ClinVar variation 2633930 (VCV002633930.1), dbSNP rs762388553, ClinGen allele CA2498188.
Genomic context (GRCh38, chr3:78,617,769, plus strand): 5'-AAGTCAGCATCAGTGAAAAAGGAGCCGTCCGAAGAACTAACACTGGAGCGTCCGCTGGAA[ATGT>A]TGTCCTCCTCTGAGGCTGAGCCCCAGCCGTTGATCATGGACCCCGTGACAGAGCTCTCCA-3'